The following is an entry in ClinVar:

ClinVar aggregate classification (germline): Pathogenic (1 of 4 stars; one submission).

Conditions:
Legius syndrome. Identifiers: Orphanet 137605, MedGen C1969623, MONDO:0012669, OMIM 611431. Disease mechanism: loss of function.

Submission:

Labcorp Genetics (formerly Invitae), Labcorp
Classification: Pathogenic for Legius syndrome. Last evaluated: 2022-09-25. Review status: criteria provided, single submitter. Criteria: Invitae Variant Classification Sherloc (09022015). Collection method: clinical testing. Allele origin: germline.
Comment: This variant has not been reported in the literature in individuals affected with SPRED1-related conditions. This variant disrupts a region of the SPRED1 protein in which other variant(s) (p.Gly385Ilefs*20) have been determined to be pathogenic (PMID: 17704776, 19443465, 19920235, 21089071). This suggests that this is a clinically significant region of the protein, and that variants that disrupt it are likely to be disease-causing. For these reasons, this variant has been classified as Pathogenic. This sequence change creates a premature translational stop signal (p.Glu242*) in the SPRED1 gene. While this is not anticipated to result in nonsense mediated decay, it is expected to disrupt the last 203 amino acid(s) of the SPRED1 protein. This variant is not present in population databases (gnomAD no frequency).

Literature cited by the submitters: PubMed 17704776; PubMed 19443465; PubMed 19920235; PubMed 21089071.

NM_152594.3(SPRED1):c.724G>T (p.Glu242Ter)

Gene: SPRED1 (sprouty related EVH1 domain containing 1; plus strand). Cytogenetic location: 15q14.
Variant type: single nucleotide variant.
Coding change: c.724G>T on transcript NM_152594.3 (MANE Select); coding-DNA position 724, G replaced by T.
Protein change: p.Glu242Ter; replaces glutamic acid 242 with a stop codon.
Molecular consequence: nonsense.
Genome position (GRCh38, 1-based): chr15:38,351,053, G>T. VCF-style: chr15-38351053-G-T. GRCh37 (hg19) VCF-style: chr15-38643254-G-T.
Other names: short protein forms E242*.
Identifiers: ClinVar variation 1969608 (VCV001969608.5), dbSNP rs2542742440, ClinGen allele CA391933097.